The following is an entry in ClinVar:

NM_001369.3(DNAH5):c.1320+1G>A

Gene: DNAH5 (dynein axonemal heavy chain 5; minus strand). Cytogenetic location: 5p15.2.
Variant type: single nucleotide variant.
Coding change: c.1320+1G>A on transcript NM_001369.3 (MANE Select); the canonical splice donor site of the intron after coding-DNA position 1320, G replaced by A.
Molecular consequence: splice donor variant.
Genome position (GRCh38, 1-based): chr5:13,914,519, C>T on the plus strand (G>A on the coding strand, the complement: DNAH5 is on the minus strand). VCF-style: chr5-13914519-C-T. GRCh37 (hg19) VCF-style: chr5-13914628-C-T.
Other names: c.1320+1G>A (NM_001369.2).
Identifiers: ClinVar variation 3067821 (VCV003067821.2), dbSNP rs2547129342, ClinGen allele CA359214711.

ClinVar aggregate classification (germline): Likely pathogenic. Review status: criteria provided, multiple submitters, no conflicts (2 of 4 stars). 2 submissions from 2 submitters: Likely pathogenic (2). Last evaluated 2025-10-21.

Conditions:
Primary ciliary dyskinesia 3. Identifiers: Orphanet 244, MedGen C1837618, MONDO:0012085, OMIM 608644.
Primary ciliary dyskinesia. Also called: Ciliary dyskinesia. Identifiers: Orphanet 244, MedGen C0008780, MONDO:0016575, HP:0012265.

Submissions (2):

Natera, Inc.
Classification: Likely pathogenic for Primary ciliary dyskinesia. Last evaluated: 2025-10-21. Review status: criteria provided, single submitter. Criteria: Natera Variant Classification Schema (03/2026). Collection method: clinical testing. Allele origin: germline.
Comment: The c.1320+1G>A variant in DNAH5 is a canonical splice donor site variant predicted to affect pre-mRNA splicing, which may result in an abnormal transcript and altered protein product. This variant may result in a truncated or dysfunctional protein product. This variant is rare in the general population with a frequency below the threshold expected for the associated phenotype(s). This variant has been observed in one or more individuals affected with the associated recessive disease, as either homozygous or compound heterozygous with a second variant (PMID: 40033371). Given the available evidence, this variant is classified as Likely Pathogenic.

Genomic Medicine Center of Excellence, King Faisal Specialist Hospital and Research Centre
Classification: Likely pathogenic for Primary ciliary dyskinesia 3. Last evaluated: 2024-04-04. Review status: criteria provided, single submitter. Criteria: ACMG Guidelines, 2015. Collection method: clinical testing. Allele origin: germline.

Literature cited by the submitters: PubMed 40033371 (cited by Natera, Inc.).